The following is an entry in ClinVar:

ClinVar aggregate classification (germline): Uncertain significance (1 of 4 stars; one submission).

Conditions:
Megaconial type congenital muscular dystrophy (MDCMC). Also called: CHKB-Related Muscle Diseases; MUSCULAR DYSTROPHY, CONGENITAL, WITH MITOCHONDRIAL STRUCTURAL ABNORMALITIES; CHKB-Related Muscular Dystrophy. Identifiers: Orphanet 280671, MedGen C1865233, MONDO:0011246, OMIM 602541.

gnomAD v4.1: 1 of 1,613,858 alleles (0.000062%); highest among the groups gnomAD compares: Non-Finnish European, 0.000085%; no homozygotes.

Submission:

Labcorp Genetics (formerly Invitae), Labcorp
Classification: Uncertain significance for Megaconial type congenital muscular dystrophy. Last evaluated: 2021-04-04. Review status: criteria provided, single submitter. Criteria: Invitae Variant Classification Sherloc (09022015). Collection method: clinical testing. Allele origin: germline.
Comment: This sequence change replaces serine with asparagine at codon 120 of the CHKB protein (p.Ser120Asn). The serine residue is moderately conserved and there is a small physicochemical difference between serine and asparagine. This variant is not present in population databases (ExAC no frequency). This variant has not been reported in the literature in individuals with CHKB-related conditions. Algorithms developed to predict the effect of missense changes on protein structure and function are either unavailable or do not agree on the potential impact of this missense change (SIFT: "Tolerated"; PolyPhen-2: "Probably Damaging"; Align-GVGD: "Class C0"). In summary, the available evidence is currently insufficient to determine the role of this variant in disease. Therefore, it has been classified as a Variant of Uncertain Significance.

NM_005198.5(CHKB):c.359G>A (p.Ser120Asn)

Genes: CHKB (choline kinase beta; minus strand), CHKB-CPT1B (CHKB-CPT1B readthrough (NMD candidate); minus strand). Cytogenetic location: 22q13.33.
Variant type: single nucleotide variant.
Coding change: c.359G>A on transcript NM_005198.5 (MANE Select); coding-DNA position 359, G replaced by A.
Protein change: p.Ser120Asn; replaces serine 120 with asparagine.
Molecular consequence: missense variant. On other transcripts: non-coding transcript variant (1).
Genome position (GRCh38, 1-based): chr22:50,581,837, C>T on the plus strand (G>A on the coding strand, the complement: CHKB is on the minus strand). VCF-style: chr22-50581837-C-T. GRCh37 (hg19) VCF-style: chr22-51020266-C-T.
Other names: short protein forms S120N.
Identifiers: ClinVar variation 1523060 (VCV001523060.7), dbSNP rs2146656856, ClinGen allele CA412201620.
Genomic context (GRCh38, chr22:50,581,837, plus strand): 5'-GGGAAGACTCCGTACAGCTGGGGCCCCAGCGACCGCTCCGCAAGTATGGCGAACATCACG[C>T]TTTCTAGCACCAGGGAGTCCACGCCCTGAAAAAGGATGGACAGCAAAGGGGCCAAGGCAA-3'
Protein context (NP_005189.2, residues 110-130): LQGVDSLVLE[Ser120Asn]VMFAILAERS